The following is an entry in ClinVar:

NM_001039348.3(EFEMP1):c.239A>G (p.Asn80Ser)

Gene: EFEMP1 (EGF-like fibulin extracellular matrix protein 1; minus strand). Cytogenetic location: 2p16.1.
Variant type: single nucleotide variant.
Coding change: c.239A>G on transcript NM_001039348.3 (MANE Select); coding-DNA position 239, A replaced by G.
Protein change: p.Asn80Ser; replaces asparagine 80 with serine.
Molecular consequence: missense variant.
Genome position (GRCh38, 1-based): chr2:55,917,943, T>C on the plus strand (A>G on the coding strand, the complement: EFEMP1 is on the minus strand). VCF-style: chr2-55917943-T-C. GRCh37 (hg19) VCF-style: chr2-56145078-T-C.
Other names: c.239A>G (NM_001039348.2); c.239A>G, p.Asn80Ser (NM_001039349.3); short protein forms N80S.
Identifiers: ClinVar variation 1025315 (VCV001025315.11), dbSNP rs750074607, ClinGen allele CA1668977.

ClinVar aggregate classification (germline): Uncertain significance. Review status: criteria provided, multiple submitters, no conflicts (2 of 4 stars). 2 submissions from 2 submitters: Uncertain significance (2). Last evaluated 2024-12-12.

Conditions:
Inborn genetic diseases. Identifiers: MedGen C0950123, MeSH D030342.

Allele frequency attached by ClinVar (database versions not stated): gnomAD exomes below 0.00001 and 0.00002; ExAC 0.00003.
gnomAD v4.1: 4 of 1,614,220 alleles (0.00025%); highest among the groups gnomAD compares: Non-Finnish European, 0.00034%; no homozygotes.

Submissions (2):

Ambry Genetics
Classification: Uncertain significance for Inborn genetic diseases. Last evaluated: 2024-12-12. Review status: criteria provided, single submitter. Criteria: Ambry Variant Classification Scheme 2023. Collection method: clinical testing. Allele origin: germline.

Labcorp Genetics (formerly Invitae), Labcorp
Classification: Uncertain significance. Last evaluated: 2024-12-05. Review status: criteria provided, single submitter. Criteria: Invitae Variant Classification Sherloc (09022015). Collection method: clinical testing. Allele origin: germline.
Comment: This sequence change replaces asparagine, which is neutral and polar, with serine, which is neutral and polar, at codon 80 of the EFEMP1 protein (p.Asn80Ser). This variant is present in population databases (rs750074607, gnomAD 0.004%). This variant has not been reported in the literature in individuals affected with EFEMP1-related conditions. ClinVar contains an entry for this variant (Variation ID: 1025315). Invitae Evidence Modeling of protein sequence and biophysical properties (such as structural, functional, and spatial information, amino acid conservation, physicochemical variation, residue mobility, and thermodynamic stability) indicates that this missense variant is not expected to disrupt EFEMP1 protein function with a negative predictive value of 80%. This variant disrupts the p.Asn80 amino acid residue in EFEMP1. Other variant(s) that disrupt this residue have been determined to be pathogenic (PMID: 34923728). This suggests that this residue is clinically significant, and that variants that disrupt this residue are likely to be disease-causing. In summary, the available evidence is currently insufficient to determine the role of this variant in disease. Therefore, it has been classified as a Variant of Uncertain Significance.

Literature cited by the submitters: PubMed 34923728 (cited by Labcorp Genetics (formerly Invitae), Labcorp).